The following is an entry in ClinVar:

NM_016032.4(ZDHHC9):c.84C>T (p.Arg28=)

Gene: ZDHHC9 (zDHHC palmitoyltransferase 9; minus strand). Cytogenetic location: Xq26.1.
Variant type: single nucleotide variant.
Coding change: c.84C>T on transcript NM_016032.4 (MANE Select); coding-DNA position 84, C replaced by T.
Protein change: p.Arg28=; no amino-acid change (arginine 28 retained).
Molecular consequence: synonymous variant.
Genome position (GRCh38, 1-based): chrX:129,841,862, G>A on the plus strand (C>T on the coding strand, the complement: ZDHHC9 is on the minus strand). VCF-style: chrX-129841862-G-A. GRCh37 (hg19) VCF-style: chrX-128975838-G-A.
Other names: c.84C>T, p.Arg28= (NM_001008222.3).
Identifiers: ClinVar variation 3389388 (VCV003389388.14).

ClinVar aggregate classification (germline): Likely benign (1 of 4 stars; one submission).

gnomAD v4.1: 2 of 1,211,669 alleles (0.00017%); highest among the groups gnomAD compares: Non-Finnish European, 0.00022%; no homozygotes.

Submission:

CeGaT Center for Human Genetics Tuebingen
Classification: Likely benign. Last evaluated: 2024-10-01. Review status: criteria provided, single submitter. Criteria: CeGaT Center For Human Genetics Tuebingen Variant Classification Criteria Version 2. Collection method: clinical testing. Allele origin: germline. Affected: yes. Observed: 1 variant allele.
Comment: ZDHHC9: BP4, BP7